The following is an entry in ClinVar:

ClinVar aggregate classification (germline): Uncertain significance. Review status: criteria provided, multiple submitters, no conflicts (2 of 4 stars). 2 submissions from 2 submitters: Uncertain significance (2). Last evaluated 2024-03-11.

Conditions:
Multiple acyl-CoA dehydrogenase deficiency (MADD). Also called: Glutaric Acidemia type 2; ETHYLMALONIC-ADIPICACIDURIA; GA II; Glutaric aciduria, type 2; Glutaric acidemia type II; GA 2. Identifiers: Orphanet 26791, MedGen C0268596, MONDO:0009282, OMIM 231680.

Submissions (2):

Fulgent Genetics
Classification: Uncertain significance for Multiple acyl-CoA dehydrogenase deficiency. Last evaluated: 2024-03-11. Review status: criteria provided, single submitter. Criteria: ACMG Guidelines, 2015. Collection method: clinical testing. Allele origin: germline.

Labcorp Genetics (formerly Invitae), Labcorp
Classification: Uncertain significance for Multiple acyl-CoA dehydrogenase deficiency. Last evaluated: 2022-03-04. Review status: criteria provided, single submitter. Criteria: Invitae Variant Classification Sherloc (09022015). Collection method: clinical testing. Allele origin: germline.
Comment: In summary, the available evidence is currently insufficient to determine the role of this variant in disease. Therefore, it has been classified as a Variant of Uncertain Significance. Advanced modeling of protein sequence and biophysical properties (such as structural, functional, and spatial information, amino acid conservation, physicochemical variation, residue mobility, and thermodynamic stability) performed at Invitae indicates that this missense variant is expected to disrupt ETFDH protein function. This variant has not been reported in the literature in individuals affected with ETFDH-related conditions. This variant is not present in population databases (gnomAD no frequency). This sequence change replaces asparagine, which is neutral and polar, with aspartic acid, which is acidic and polar, at codon 171 of the ETFDH protein (p.Asn171Asp).

NM_004453.4(ETFDH):c.511A>G (p.Asn171Asp)

Gene: ETFDH (electron transfer flavoprotein dehydrogenase; plus strand). Cytogenetic location: 4q32.1.
Variant type: single nucleotide variant.
Coding change: c.511A>G on transcript NM_004453.4 (MANE Select); coding-DNA position 511, A replaced by G.
Protein change: p.Asn171Asp; replaces asparagine 171 with aspartic acid.
Molecular consequence: missense variant.
Genome position (GRCh38, 1-based): chr4:158,685,124, A>G. VCF-style: chr4-158685124-A-G. GRCh37 (hg19) VCF-style: chr4-159606276-A-G.
Other names: c.370A>G, p.Asn124Asp (NM_001281737.2); c.328A>G, p.Asn110Asp (NM_001281738.1); short protein forms N124D, N110D, N171D.
Identifiers: ClinVar variation 2016037 (VCV002016037.5), dbSNP rs2479087871, ClinGen allele CA358575356.
Genomic context (GRCh38, chr4:158,685,124, plus strand): 5'-AAAAAGTCAGATTTATAAATTAAGCATATATTTATAGGGCTTCCAATGAATAATCATGGC[A>G]ATTACATTGTACGCTTGGGACATTTAGTGAGCTGGATGGGCGAACAAGCAGAAGCCCTTG-3'
Protein context (NP_004444.2, residues 161-181): LPGLPMNNHG[Asn171Asp]YIVRLGHLVS